The following is an entry in ClinVar:

NM_014946.4(SPAST):c.243C>G (p.Arg81=)

Gene: SPAST (spastin; plus strand). Cytogenetic location: 2p22.3.
Variant type: single nucleotide variant.
Coding change: c.243C>G on transcript NM_014946.4 (MANE Select); coding-DNA position 243, C replaced by G.
Protein change: p.Arg81=; no amino-acid change (arginine 81 retained).
Molecular consequence: synonymous variant.
Genome position (GRCh38, 1-based): chr2:32,064,074, C>G. VCF-style: chr2-32064074-C-G. GRCh37 (hg19) VCF-style: chr2-32289143-C-G.
Other names: c.243C>G, p.Arg81= (NM_001363823.2, NM_001363875.2, NM_001377959.1 and 1 more transcripts).
Identifiers: ClinVar variation 697872 (VCV000697872.12), dbSNP rs146956762, ClinGen allele CA1600528.

ClinVar aggregate classification (germline): Benign/Likely benign. Review status: criteria provided, multiple submitters, no conflicts (2 of 4 stars). 3 submissions from 3 submitters: Benign (1); Likely benign (1). 1 of the submissions does not count toward it. Last evaluated 2025-10-29.

Conditions:
SPAST-related disorder. Also called: SPAST-related condition.
Hereditary spastic paraplegia 4. Also called: Spastic paraplegia 4, autosomal dominant; Spastic Paraplegia 4; Familial spastic paraplegia autosomal dominant 2. Identifiers: Orphanet 100985, MedGen C1866855, MONDO:0008438, OMIM 182601.

Allele frequency attached by ClinVar (database versions not stated): gnomAD exomes 0.00016; ExAC 0.00020; 1000 Genomes Project 30x 0.00031; ESP Exome Variant Server 0.00038; 1000 Genomes Project 0.00040; gnomAD 0.00045 and 0.00047; TOPMed 0.00049.
gnomAD v4.1: 165 of 1,612,632 alleles (0.01%); highest among the groups gnomAD compares: African/African-American, 0.21%; no homozygotes.

Submissions (3):

Labcorp Genetics (formerly Invitae), Labcorp
Classification: Benign for Hereditary spastic paraplegia 4. Last evaluated: 2025-10-29. Review status: criteria provided, single submitter. Criteria: Invitae Variant Classification Sherloc (09022015). Collection method: clinical testing. Allele origin: germline.

GeneDx
Classification: Likely benign. Last evaluated: 2020-06-12. Review status: criteria provided, single submitter. Criteria: GeneDx Variant Classification Process June 2021. Collection method: clinical testing. Allele origin: germline. Affected: yes.

PreventionGenetics, part of Exact Sciences
Classification: Likely benign for SPAST-related condition. Last evaluated: 2019-08-09. Review status: no assertion criteria provided. Collection method: clinical testing. Allele origin: germline. Not counted in ClinVar's aggregate classification.
Comment: This variant is classified as likely benign based on ACMG/AMP sequence variant interpretation guidelines (Richards et al. 2015 PMID: 25741868, with internal and published modifications).